The following is an entry in ClinVar:

NM_001375380.1(EBF3):c.969C>T (p.Val323=)

Genes: EBF3 (EBF transcription factor 3; minus strand), EBF3-AS1 (EBF3 antisense RNA 1; plus strand). Cytogenetic location: 10q26.3.
Variant type: single nucleotide variant.
Coding change: c.969C>T on transcript NM_001375380.1 (MANE Select); coding-DNA position 969, C replaced by T.
Protein change: p.Val323=; no amino-acid change (valine 323 retained).
Molecular consequence: synonymous variant.
Genome position (GRCh38, 1-based): chr10:129,867,211, G>A on the plus strand (C>T on the coding strand, the complement: EBF3 is on the minus strand). VCF-style: chr10-129867211-G-A. GRCh37 (hg19) VCF-style: chr10-131665475-G-A.
Other names: c.942C>T, p.Val314= (NM_001005463.3, NM_001375390.1, NM_001375392.1); c.969C>T, p.Val323= (NM_001375379.1, NM_001375389.1, NM_001375391.1).
Identifiers: ClinVar variation 3351261 (VCV003351261.3).
Genomic context (GRCh38, chr10:129,867,211, plus strand): 5'-AAAGCGCCCAGGAGCACCTTTGCAGAACTGCTTGGATTTGTAGGAGAGGGTCACTTCGAC[G>A]ACGCCAGGAATGTGCCTCGGCGGGGTCTGGACTCGGATGGCATGGGGAGTTATCAGCTAC-3'
Protein context (NP_001362309.1, residues 313-333): VQTPPRHIPG[Val323=]VEVTLSYKSK

ClinVar aggregate classification (germline): Likely benign. Review status: criteria provided, multiple submitters, no conflicts (2 of 4 stars). 3 submissions from 3 submitters: Likely benign (2). 1 of the submissions does not count toward it. Last evaluated 2026-08-01.

Conditions:
EBF3-related disorder. Identifiers: MedGen CN239924.

gnomAD v4.1: 21 of 1,614,018 alleles (0.0013%); highest among the groups gnomAD compares: Non-Finnish European, 0.0017%; no homozygotes.

Submissions (3):

CeGaT Center for Human Genetics Tuebingen
Classification: Likely benign. Last evaluated: 2026-08-01. Review status: criteria provided, single submitter. Criteria: CeGaT Center For Human Genetics Tuebingen Variant Classification Criteria Version 2. Collection method: clinical testing. Allele origin: germline. Affected: yes. Observed: 1 variant allele.
Comment: EBF3: BP4, BP7

Blueprint Genetics
Classification: Likely benign. Last evaluated: 2024-11-20. Review status: criteria provided, single submitter. Criteria: ACMG Guidelines, 2015. Collection method: clinical testing. Allele origin: germline.

PreventionGenetics, part of Exact Sciences
Classification: Likely benign for EBF3-related condition. Last evaluated: 2024-05-23. Review status: no assertion criteria provided. Collection method: clinical testing. Allele origin: germline. Not counted in ClinVar's aggregate classification.
Comment: This variant is classified as likely benign based on ACMG/AMP sequence variant interpretation guidelines (Richards et al. 2015 PMID: 25741868, with internal and published modifications).